The following is an entry in ClinVar:

NM_005120.3(MED12):c.5228C>T (p.Pro1743Leu)

Gene: MED12 (mediator complex subunit 12; plus strand). Cytogenetic location: Xq13.1.
Variant type: single nucleotide variant.
Coding change: c.5228C>T on transcript NM_005120.3 (MANE Select); coding-DNA position 5228, C replaced by T.
Protein change: p.Pro1743Leu; replaces proline 1743 with leucine.
Molecular consequence: missense variant.
Genome position (GRCh38, 1-based): chrX:71,136,483, C>T. VCF-style: chrX-71136483-C-T. GRCh37 (hg19) VCF-style: chrX-70356333-C-T.
Other names: short protein forms P1743L.
Identifiers: ClinVar variation 4076711 (VCV004076711.2).

ClinVar aggregate classification (germline): Uncertain significance. Review status: criteria provided, multiple submitters, no conflicts (2 of 4 stars). 2 submissions from 2 submitters: Uncertain significance (2). Last evaluated 2026-03-23.

Conditions:
Familial thoracic aortic aneurysm and aortic dissection (TAAD). Also called: Thoracic aortic aneurysms and dissections. Identifiers: Orphanet 91387, MedGen C4707243, MONDO:0019625.

Submissions (2):

Ambry Genetics
Classification: Uncertain significance for Familial thoracic aortic aneurysm and aortic dissection. Last evaluated: 2026-03-23. Review status: criteria provided, single submitter. Criteria: Ambry Variant Classification Scheme 2023. Collection method: clinical testing. Allele origin: germline.
Comment: The p.P1743L variant (also known as c.5228C>T), located in coding exon 37 of the MED12 gene, results from a C to T substitution at nucleotide position 5228. The proline at codon 1743 is replaced by leucine, an amino acid with similar properties. This amino acid position is conserved. In addition, this alteration is predicted to be tolerated by in silico analysis. Based on the available evidence, the clinical significance of this variant remains unclear.

GeneDx
Classification: Uncertain significance. Last evaluated: 2025-02-19. Review status: criteria provided, single submitter. Criteria: GeneDx Variant Classification Process June 2021. Collection method: clinical testing. Allele origin: germline. Affected: yes.
Comment: Not observed at significant frequency in large population cohorts (gnomAD); In silico analysis supports that this missense variant has a deleterious effect on protein structure/function; Has not been previously published as pathogenic or benign to our knowledge